The following is an entry in ClinVar:

NM_000501.4(ELN):c.1501G>A (p.Val501Ile)

Genes: ELN (elastin; plus strand), ELN-AS1 (ELN antisense RNA 1; minus strand). Cytogenetic location: 7q11.23.
Variant type: single nucleotide variant.
Coding change: c.1501G>A on transcript NM_000501.4 (MANE Select); coding-DNA position 1501, G replaced by A.
Protein change: p.Val501Ile; replaces valine 501 with isoleucine.
Molecular consequence: missense variant. On other transcripts: non-coding transcript variant (1).
Genome position (GRCh38, 1-based): chr7:74,059,972, G>A. VCF-style: chr7-74059972-G-A. GRCh37 (hg19) VCF-style: chr7-73474302-G-A.
Other names: c.1414G>A, p.Val472Ile (NM_001081752.3); c.1459G>A, p.Val487Ile (NM_001081753.3); c.1516G>A, p.Val506Ile (NM_001081754.3); c.1444G>A, p.Val482Ile (NM_001081755.3); c.1501G>A, p.Val501Ile (NM_001278912.2); c.1258G>A, p.Val420Ile (NM_001278913.2); c.1429G>A, p.Val477Ile (NM_001278914.2); c.1519G>A, p.Val507Ile (NM_001278915.2); and 4 more; short protein forms V412I, V420I, V468I, V472I, V477I, V482I, V487I, V491I.
Identifiers: ClinVar variation 3029551 (VCV003029551.2), dbSNP rs781816860, ClinGen allele CA4293079.
Genomic context (GRCh38, chr7:74,059,972, plus strand): 5'-CCTGGAGTTGGCGTGGCTCCTGGTGTCGGTGTGGCTCCTGGAGTTGGCTTGGCTCCTGGA[G>A]TTGGCGTGGCTCCTGGAGTTGGTGTGGCTCCTGGCGTTGGCGTGGCTCCCGGCATTGGCC-3'
Protein context (NP_000492.2, residues 491-511): VAPGVGLAPG[Val501Ile]GVAPGVGVAP

ClinVar aggregate classification (germline): Uncertain significance (0 of 4 stars; one submission).

Conditions:
ELN-related disorder.

Allele frequency attached by ClinVar (database versions not stated): gnomAD 0.00001; gnomAD exomes 0.00001; ExAC 0.00002; TOPMed 0.00002.
gnomAD v4.1: 9 of 1,613,554 alleles (0.00056%); highest among the groups gnomAD compares: African/African-American, 0.004%; no homozygotes.

Submission:

PreventionGenetics, part of Exact Sciences
Classification: Uncertain significance for ELN-related condition. Last evaluated: 2023-11-03. Review status: no assertion criteria provided. Collection method: clinical testing. Allele origin: germline.
Comment: The ELN c.1501G>A variant is predicted to result in the amino acid substitution p.Val501Ile. To our knowledge, this variant has not been reported in the literature. This variant is reported in 0.0080% of alleles in individuals of African descent in gnomAD. At this time, the clinical significance of this variant is uncertain due to the absence of conclusive functional and genetic evidence.